The following is an entry in ClinVar:

NM_020987.5(ANK3):c.3199T>G (p.Phe1067Val)

Gene: ANK3 (ankyrin 3; minus strand). Cytogenetic location: 10q21.2.
Variant type: single nucleotide variant.
Coding change: c.3199T>G on transcript NM_020987.5 (MANE Select); coding-DNA position 3199, T replaced by G.
Protein change: p.Phe1067Val; replaces phenylalanine 1067 with valine.
Molecular consequence: missense variant.
Genome position (GRCh38, 1-based): chr10:60,106,034, A>C on the plus strand (T>G on the coding strand, the complement: ANK3 is on the minus strand). VCF-style: chr10-60106034-A-C. GRCh37 (hg19) VCF-style: chr10-61865792-A-C.
Other names: c.601T>G, p.Phe201Val (NM_001149.4); c.3181T>G, p.Phe1061Val (NM_001204403.2); c.3202T>G, p.Phe1068Val (NM_001204404.2); c.3199T>G, p.Phe1067Val (NM_001320874.2); short protein forms F1061V, F1067V, F1068V, F201V.
Identifiers: ClinVar variation 3239351 (VCV003239351.19), dbSNP rs1321351866.

ClinVar aggregate classification (germline): Uncertain significance (1 of 4 stars; one submission).

gnomAD v4.1: 1 of 1,609,814 alleles (0.000062%); highest among the groups gnomAD compares: Non-Finnish European, 0.000085%; no homozygotes.

Submission:

CeGaT Center for Human Genetics Tuebingen
Classification: Uncertain significance. Last evaluated: 2024-05-01. Review status: criteria provided, single submitter. Criteria: CeGaT Center For Human Genetics Tuebingen Variant Classification Criteria Version 2. Collection method: clinical testing. Allele origin: germline. Affected: yes. Observed: 1 variant allele.
Comment: ANK3: PM2